The following is an entry in ClinVar:

NM_000393.5(COL5A2):c.4388A>G (p.Glu1463Gly)

Gene: COL5A2 (collagen type V alpha 2 chain; minus strand). Cytogenetic location: 2q32.2.
Variant type: single nucleotide variant.
Coding change: c.4388A>G on transcript NM_000393.5 (MANE Select); coding-DNA position 4388, A replaced by G.
Protein change: p.Glu1463Gly; replaces glutamic acid 1463 with glycine.
Molecular consequence: missense variant.
Genome position (GRCh38, 1-based): chr2:189,034,182, T>C on the plus strand (A>G on the coding strand, the complement: COL5A2 is on the minus strand). VCF-style: chr2-189034182-T-C. GRCh37 (hg19) VCF-style: chr2-189898908-T-C.
Other names: short protein forms E1463G.
Identifiers: ClinVar variation 1037135 (VCV001037135.10), dbSNP rs1685396293, ClinGen allele CA349854668.
Genomic context (GRCh38, chr2:189,034,182, plus strand): 5'-CCAACATCCACAGGAGCAAGATCTATGATGGGCAAGCGTGCCACATTCTGTGTTCTATAT[T>C]CAAAGACAGTCTTGCCCACATTTCCATTCCGCTTCTGAAATTAAATGATGCAATGGGTTA-3'
Protein context (NP_000384.2, residues 1453-1473): RNGNVGKTVF[Glu1463Gly]YRTQNVARLP

ClinVar aggregate classification (germline): Uncertain significance (1 of 4 stars; one submission).

Conditions:
Ehlers-Danlos syndrome, classic type, 1 (EDSCL1). Also called: EHLERS-DANLOS SYNDROME, GRAVIS TYPE; EHLERS-DANLOS SYNDROME, SEVERE CLASSIC TYPE; EDS I; Ehlers-Danlos Syndrome, Classic Type, COL5A1-Related; Ehlers-Danlos syndrome, type 1. Identifiers: MedGen C0268335, MONDO:0019567, OMIM 130000.

Allele frequency attached by ClinVar (database versions not stated): gnomAD exomes below 0.00001.
gnomAD v4.1: 3 of 1,613,978 alleles (0.00019%); highest among the groups gnomAD compares: Non-Finnish European, 0.00025%; no homozygotes.

Submission:

Labcorp Genetics (formerly Invitae), Labcorp
Classification: Uncertain significance for Ehlers-Danlos syndrome, classic type, 1. Last evaluated: 2023-03-22. Review status: criteria provided, single submitter. Criteria: Invitae Variant Classification Sherloc (09022015). Collection method: clinical testing. Allele origin: germline.
Comment: This sequence change replaces glutamic acid, which is acidic and polar, with glycine, which is neutral and non-polar, at codon 1463 of the COL5A2 protein (p.Glu1463Gly). This variant is not present in population databases (gnomAD no frequency). This variant has not been reported in the literature in individuals affected with COL5A2-related conditions. ClinVar contains an entry for this variant (Variation ID: 1037135). Advanced modeling of protein sequence and biophysical properties (such as structural, functional, and spatial information, amino acid conservation, physicochemical variation, residue mobility, and thermodynamic stability) has been performed at Invitae for this missense variant, however the output from this modeling did not meet the statistical confidence thresholds required to predict the impact of this variant on COL5A2 protein function. In summary, the available evidence is currently insufficient to determine the role of this variant in disease. Therefore, it has been classified as a Variant of Uncertain Significance.